The following is an entry in ClinVar:

ClinVar aggregate classification (germline): Uncertain significance. Review status: criteria provided, multiple submitters, no conflicts (2 of 4 stars). 2 submissions from 2 submitters: Uncertain significance (2). Last evaluated 2025-12-28.

Conditions:
Primary ciliary dyskinesia. Also called: Ciliary dyskinesia. Identifiers: Orphanet 244, MedGen C0008780, MONDO:0016575, HP:0012265.
CCDC39-related disorder. Also called: CCDC39-related condition.

gnomAD v4.1: 114 of 1,593,150 alleles (0.0072%); highest among the groups gnomAD compares: Non-Finnish European, 0.0093%; no homozygotes.

Submissions (2):

PreventionGenetics, part of Exact Sciences
Classification: Uncertain significance for CCDC39-related condition. Last evaluated: 2025-12-28. Review status: criteria provided, single submitter. Criteria: ACMG Guidelines, 2015. Collection method: clinical testing. Allele origin: germline.
Comment: The CCDC39 c.2446A>C variant is predicted to result in the amino acid substitution p.Thr816Pro. To our knowledge, this variant has not been reported in the literature. This variant is reported in 0.0053% of alleles in individuals of European (Non-Finnish) descent in gnomAD. At this time, the clinical significance of this variant is uncertain due to the absence of conclusive functional and genetic evidence.

Ambry Genetics
Classification: Uncertain significance for Primary ciliary dyskinesia. Last evaluated: 2024-12-20. Review status: criteria provided, single submitter. Criteria: Ambry Variant Classification Scheme 2023. Collection method: clinical testing. Allele origin: germline.

NM_181426.2(CCDC39):c.2446A>C (p.Thr816Pro)

Genes: CCDC39 (coiled-coil domain 39 molecular ruler complex subunit; minus strand), TTC14 (tetratricopeptide repeat domain 14; plus strand). Cytogenetic location: 3q26.33.
Variant type: single nucleotide variant.
Coding change: c.2446A>C on transcript NM_181426.2 (MANE Select); coding-DNA position 2446, A replaced by C.
Protein change: p.Thr816Pro; replaces threonine 816 with proline.
Molecular consequence: missense variant. On other transcripts: intron variant (1).
Genome position (GRCh38, 1-based): chr3:180,616,656, T>G on the plus strand (A>C on the coding strand, the complement: CCDC39 is on the minus strand). VCF-style: chr3-180616656-T-G. GRCh37 (hg19) VCF-style: chr3-180334444-T-G.
Other names: c.1775-724T>G (NM_001288582.2); short protein forms T816P.
Identifiers: ClinVar variation 3486690 (VCV003486690.3).
Genomic context (GRCh38, chr3:180,616,656, plus strand): 5'-TGTGAAACTGTTTCATTTCACGAAGTTTGATGTCTTGTTCTTCCATTGTTTCATCTTTTG[T>G]GTCTTTCAAAAGACGGATTTCCTTTGTGAGTTTTGCACACTGTTGGTAAATAATAGTCAA-3'
Protein context (NP_852091.1, residues 806-826): LTKEIRLLKD[Thr816Pro]KDETMEEQDI